The following is an entry in ClinVar:

NM_001042492.3(NF1):c.4174-2A>C

Gene: NF1 (neurofibromin 1; plus strand). Cytogenetic location: 17q11.2.
Variant type: single nucleotide variant.
Coding change: c.4174-2A>C on transcript NM_001042492.3 (MANE Select); the canonical splice acceptor site of the intron before coding-DNA position 4174, A replaced by C.
Molecular consequence: splice acceptor variant.
Genome position (GRCh38, 1-based): chr17:31,258,342, A>C. VCF-style: chr17-31258342-A-C. GRCh37 (hg19) VCF-style: chr17-29585360-A-C.
Other names: c.4111-2A>C (NM_000267.4).
Identifiers: ClinVar variation 2747450 (VCV002747450.3), dbSNP rs1555618489, ClinGen allele CA398997469.

ClinVar aggregate classification (germline): Pathogenic (1 of 4 stars; one submission).

Conditions:
Neurofibromatosis, type 1 (NF1). Also called: Peripheral type neurofibromatosis; NEUROFIBROMATOSIS, TYPE I, SOMATIC; VON RECKLINGHAUSEN DISEASE; Neurofibromatosis, type I. Identifiers: Orphanet 636, MedGen C0027831, MONDO:0018975, OMIM 162200. Disease mechanism: loss of function.

Submission:

Labcorp Genetics (formerly Invitae), Labcorp
Classification: Pathogenic for Neurofibromatosis, type 1. Last evaluated: 2023-07-27. Review status: criteria provided, single submitter. Criteria: Invitae Variant Classification Sherloc (09022015). Collection method: clinical testing. Allele origin: germline.
Comment: This sequence change affects an acceptor splice site in intron 30 of the NF1 gene. It is expected to disrupt RNA splicing. Variants that disrupt the donor or acceptor splice site typically lead to a loss of protein function (PMID: 16199547), and loss-of-function variants in NF1 are known to be pathogenic (PMID: 10712197, 23913538). This variant is not present in population databases (gnomAD no frequency). For these reasons, this variant has been classified as Pathogenic. Algorithms developed to predict the effect of sequence changes on RNA splicing suggest that this variant may disrupt the consensus splice site. Disruption of this splice site has been observed in individuals with neurofibromatosis type 1 (PMID: 29673180).

Literature cited by the submitters: PubMed 16199547; PubMed 10712197; PubMed 23913538; PubMed 29673180.